The following is an entry in ClinVar:

NM_000485.3(APRT):c.160C>G (p.His54Asp)

Gene: APRT (adenine phosphoribosyltransferase; minus strand). Cytogenetic location: 16q24.3.
Variant type: single nucleotide variant.
Coding change: c.160C>G on transcript NM_000485.3 (MANE Select); coding-DNA position 160, C replaced by G.
Protein change: p.His54Asp; replaces histidine 54 with aspartic acid.
Molecular consequence: missense variant.
Genome position (GRCh38, 1-based): chr16:88,811,577, G>C on the plus strand (C>G on the coding strand, the complement: APRT is on the minus strand). VCF-style: chr16-88811577-G-C. GRCh37 (hg19) VCF-style: chr16-88877985-G-C.
Other names: c.160C>G, p.His54Asp (NM_001030018.2); short protein forms H54D.
Identifiers: ClinVar variation 988039 (VCV000988039.3), dbSNP rs752977102, ClinGen allele CA8234554.

ClinVar aggregate classification (germline): Conflicting classifications of pathogenicity. Review status: criteria provided, conflicting classifications (1 of 4 stars). 3 submissions from 3 submitters: Pathogenic (1); Likely pathogenic (1); Uncertain significance (1). Last evaluated 2025-08-07.

Conditions:
Adenine phosphoribosyltransferase deficiency (APRTD). Also called: APRT DEFICIENCY; NEPHROLITHIASIS, DHA; Urolithiasis, dha; 2,8-dihydroxyadenine urolithiasis. Identifiers: Orphanet 976, MedGen C0268120, MONDO:0013869, OMIM 614723.

Allele frequency attached by ClinVar (database versions not stated): gnomAD exomes 0.00003; TOPMed 0.00005; gnomAD 0.00006 and 0.00007; ExAC 0.00007.
gnomAD v4.1: 200 of 1,601,660 alleles (0.012%); highest among the groups gnomAD compares: Non-Finnish European, 0.016%; no homozygotes.

Submissions (3):

Labcorp Genetics (formerly Invitae), Labcorp
Classification: Uncertain significance. Last evaluated: 2025-08-07. Review status: criteria provided, single submitter. Criteria: Invitae Variant Classification Sherloc (09022015). Collection method: clinical testing. Allele origin: germline.
Comment: This sequence change replaces histidine, which is basic and polar, with aspartic acid, which is acidic and polar, at codon 54 of the APRT protein (p.His54Asp). This variant is present in population databases (rs752977102, gnomAD 0.01%). This missense change has been observed in individual(s) with clinical features of adenine phosphoribosyltransferase deficiency (PMID: 30106368). This variant is also known as c.195 C>G. ClinVar contains an entry for this variant (Variation ID: 988039). An algorithm developed to predict the effect of missense changes on protein structure and function (PolyPhen-2) suggests that this variant is likely to be disruptive. In summary, the available evidence is currently insufficient to determine the role of this variant in disease. Therefore, it has been classified as a Variant of Uncertain Significance.

Fulgent Genetics
Classification: Likely pathogenic for Adenine phosphoribosyltransferase deficiency. Last evaluated: 2024-06-19. Review status: criteria provided, single submitter. Criteria: ACMG Guidelines, 2015. Collection method: clinical testing. Allele origin: germline.

APRT Deficiency Research Program of the Rare Kidney Stone Consortium, Landspitali, National University Hospital of Iceland
Classification: Pathogenic for Adenine phosphoribosyltransferase deficiency. Last evaluated: 2020-09-01. Review status: criteria provided, single submitter. Criteria: ACMG Guidelines, 2015. Collection method: clinical testing. Allele origin: germline. Affected: yes.

Literature cited by the submitters: PubMed 30106368 (cited by Labcorp Genetics (formerly Invitae), Labcorp and APRT Deficiency Research Program of the Rare Kidney Stone Consortium, Landspitali, National University Hospital of Iceland).